The following is an entry in ClinVar:

ClinVar aggregate classification (germline): Uncertain significance. Review status: criteria provided, multiple submitters, no conflicts (2 of 4 stars). 5 submissions from 5 submitters: Uncertain significance (2). 3 of the submissions do not count toward it. Last evaluated 2024-12-04.

Conditions:
Cardiovascular phenotype. Identifiers: MedGen CN230736.
RASopathy. Also called: Noonan spectrum disorder; rasopathies. Identifiers: Orphanet 536391, MedGen C5555857, MONDO:0021060.

Allele frequency attached by ClinVar (database versions not stated): gnomAD exomes below 0.00001; gnomAD 0.00001; TOPMed 0.00001.
gnomAD v4.1: 4 of 1,613,874 alleles (0.00025%); highest among the groups gnomAD compares: East Asian, 0.0022%; no homozygotes.

Submissions (5):

Ambry Genetics
Classification: Uncertain significance for Cardiovascular phenotype. Last evaluated: 2024-12-04. Review status: criteria provided, single submitter. Criteria: Ambry Variant Classification Scheme 2023. Collection method: clinical testing. Allele origin: germline.
Comment: The p.R550Q variant (also known as c.1649G>A), located in coding exon 11 of the CBL gene, results from a G to A substitution at nucleotide position 1649. The arginine at codon 550 is replaced by glutamine, an amino acid with highly similar properties. This amino acid position is conserved. In addition, the in silico prediction for this alteration is inconclusive. Based on the available evidence, the clinical significance of this variant remains unclear.

Labcorp Genetics (formerly Invitae), Labcorp
Classification: Uncertain significance for RASopathy. Last evaluated: 2020-03-04. Review status: criteria provided, single submitter. Criteria: Invitae Variant Classification Sherloc (09022015). Collection method: clinical testing. Allele origin: germline.
Comment: This variant is not present in population databases (ExAC no frequency). In summary, the available evidence is currently insufficient to determine the role of this variant in disease. Therefore, it has been classified as a Variant of Uncertain Significance. Algorithms developed to predict the effect of missense changes on protein structure and function are either unavailable or do not agree on the potential impact of this missense change (SIFT: "Tolerated"; PolyPhen-2: "Probably Damaging"; Align-GVGD: "Class C0"). This variant has not been reported in the literature in individuals with CBL-related conditions. This sequence change replaces arginine with glutamine at codon 550 of the CBL protein (p.Arg550Gln). The arginine residue is moderately conserved and there is a small physicochemical difference between arginine and glutamine.

Clinical Genetics DNA and cytogenetics Diagnostics Lab, Erasmus MC, Erasmus Medical Center
Classification: Uncertain significance. Review status: no assertion criteria provided. Collection method: clinical testing. Allele origin: germline. Affected: yes. Study: VKGL Data-share Consensus. Not counted in ClinVar's aggregate classification.

Clinical Genetics, Academic Medical Center
Classification: Uncertain significance. Review status: no assertion criteria provided. Collection method: clinical testing. Allele origin: germline. Affected: yes. Study: VKGL Data-share Consensus. Not counted in ClinVar's aggregate classification.

Genome Diagnostics Laboratory, Amsterdam University Medical Center
Classification: Uncertain significance. Review status: no assertion criteria provided. Collection method: clinical testing. Allele origin: germline. Affected: yes. Study: VKGL Data-share Consensus. Not counted in ClinVar's aggregate classification.

NM_005188.4(CBL):c.1649G>A (p.Arg550Gln)

Gene: CBL (Cbl proto-oncogene; plus strand). Cytogenetic location: 11q23.3.
Variant type: single nucleotide variant.
Coding change: c.1649G>A on transcript NM_005188.4 (MANE Select); coding-DNA position 1649, G replaced by A.
Protein change: p.Arg550Gln; replaces arginine 550 with glutamine.
Molecular consequence: missense variant.
Genome position (GRCh38, 1-based): chr11:119,285,274, G>A. VCF-style: chr11-119285274-G-A. GRCh37 (hg19) VCF-style: chr11-119155984-G-A.
Other names: c.1649G>A (NM_005188.2); short protein forms R550Q.
Identifiers: ClinVar variation 1003891 (VCV001003891.13), dbSNP rs1949973841, ClinGen allele CA382919476.
Genomic context (GRCh38, chr11:119,285,274, plus strand): 5'-ACAAACCATTGCCAGTACCTCCCACACTTCGAGATCTTCCACCACCACCGCCTCCAGACC[G>A]GCCATATTCTGTTGGAGCAGAATCCCGACCTCAAAGACGCCCCTTGCCTTGTACACCAGG-3'
Protein context (NP_005179.2, residues 540-560): RDLPPPPPPD[Arg550Gln]PYSVGAESRP